The following is an entry in ClinVar:

NM_015910.7(WDPCP):c.74del (p.Gln25fs)

Gene: WDPCP (WD repeat containing planar cell polarity effector; minus strand). Cytogenetic location: 2p15.
Variant type: Deletion.
Coding change: c.74del on transcript NM_015910.7 (MANE Select); coding-DNA position 74, one base deleted (A; older notation c.74delA).
Protein change: p.Gln25fs; shifts the reading frame from glutamine 25.
Molecular consequence: frameshift variant. On other transcripts: 5 prime UTR variant (1), non-coding transcript variant (2).
Genome position (GRCh38, 1-based): chr2:63,588,198, T deleted on the plus strand (A on the coding strand, the reverse complement: WDPCP is on the minus strand). VCF-style (leftmost placement, unchanged base first): chr2-63588197-CT-C. GRCh37 (hg19) VCF-style: chr2-63815331-CT-C.
Other names: c.-251del (NM_001354044.2); c.74del, p.Gln25fs (NM_001354045.2); short protein forms Q25fs.
Identifiers: ClinVar variation 2300005 (VCV002300005.3), dbSNP rs2468556289, ClinGen allele CA2580067623.

ClinVar aggregate classification (germline): Pathogenic/Likely pathogenic. Review status: criteria provided, multiple submitters, no conflicts (2 of 4 stars). 2 submissions from 2 submitters: Pathogenic (1); Likely pathogenic (1). Last evaluated 2024-12-02.

Conditions:
WDPCP-related disorder. Also called: WDPCP-related condition.
Inborn genetic diseases. Identifiers: MedGen C0950123, MeSH D030342.

Submissions (2):

PreventionGenetics, part of Exact Sciences
Classification: Likely pathogenic for WDPCP-related condition. Last evaluated: 2024-12-02. Review status: criteria provided, single submitter. Criteria: ACMG Guidelines, 2015. Collection method: clinical testing. Allele origin: germline.
Comment: The WDPCP c.74delA variant is predicted to result in a frameshift and premature protein termination (p.Gln25Argfs*14). To our knowledge, this variant has not been reported in the literature or in a large population database (gnomAD), indicating this variant is rare. Frameshift variants in WDPCP are expected to be pathogenic. This variant is interpreted as likely pathogenic.

Ambry Genetics
Classification: Pathogenic for Inborn genetic diseases. Last evaluated: 2022-08-17. Review status: criteria provided, single submitter. Criteria: Ambry Variant Classification Scheme 2023. Collection method: clinical testing. Allele origin: germline.
Comment: The c.74delA (p.Q25Rfs*14) alteration, located in exon 1 (coding exon 1) of the WDPCP gene, consists of a deletion of one nucleotide at position 74, causing a translational frameshift with a predicted alternate stop codon after 14 amino acids. This alteration is expected to result in loss of function by premature protein truncation or nonsense-mediated mRNA decay. This variant was not reported in population-based cohorts in the Genome Aggregation Database (gnomAD). Based on the available evidence, this alteration is classified as pathogenic.